The following is an entry in ClinVar:

NM_145064.3(STAC3):c.997-1G>C

Gene: STAC3 (SH3 and cysteine rich domain 3; minus strand). Cytogenetic location: 12q13.3.
Variant type: single nucleotide variant.
Coding change: c.997-1G>C on transcript NM_145064.3 (MANE Select); the canonical splice acceptor site of the intron before coding-DNA position 997, G replaced by C.
Molecular consequence: splice acceptor variant.
Genome position (GRCh38, 1-based): chr12:57,243,911, C>G on the plus strand (G>C on the coding strand, the complement: STAC3 is on the minus strand). VCF-style: chr12-57243911-C-G. GRCh37 (hg19) VCF-style: chr12-57637694-C-G.
Other names: c.439-1G>C (NM_001286257.2); c.880-1G>C (NM_001286256.2).
Identifiers: ClinVar variation 639920 (VCV000639920.10), dbSNP rs779483367, ClinGen allele CA237754937.

ClinVar aggregate classification (germline): Uncertain significance (1 of 4 stars; one submission).

Conditions:
Bailey-Bloch congenital myopathy (CMYO13). Also called: Congenital myopathy 13; STAC3 disorder; Native American myopathy. Identifiers: Orphanet 168572, MedGen C1850625, MONDO:0009722, OMIM 255995.

Submission:

Labcorp Genetics (formerly Invitae), Labcorp
Classification: Uncertain significance for Bailey-Bloch congenital myopathy. Last evaluated: 2021-07-14. Review status: criteria provided, single submitter. Criteria: Invitae Variant Classification Sherloc (09022015). Collection method: clinical testing. Allele origin: germline.
Comment: This sequence change falls in intron 11 of the STAC3 gene. It does not directly change the encoded amino acid sequence of the STAC3 protein. It affects a nucleotide within the consensus splice site of the intron. This variant is not present in population databases (ExAC no frequency). This variant has not been reported in the literature in individuals affected with STAC3-related conditions. Nucleotide substitutions within the consensus splice site are a relatively common cause of aberrant splicing (PMID: 17576681, 9536098). Algorithms developed to predict the effect of sequence changes on RNA splicing suggest that this variant may disrupt the consensus splice site. In summary, the available evidence is currently insufficient to determine the role of this variant in disease. Therefore, it has been classified as a Variant of Uncertain Significance.

Literature cited by the submitters: PubMed 17576681; PubMed 9536098.